The following is an entry in ClinVar:

NM_002691.4(POLD1):c.2278_2279del (p.Met760fs)

Gene: POLD1 (DNA polymerase delta 1, catalytic subunit; plus strand). Cytogenetic location: 19q13.33.
Variant type: Deletion.
Coding change: c.2278_2279del on transcript NM_002691.4 (MANE Select); coding-DNA positions 2278 to 2279, 2 bases deleted (AT; older notation c.2278_2279delAT).
Protein change: p.Met760fs; shifts the reading frame from methionine 760.
Molecular consequence: frameshift variant. On other transcripts: non-coding transcript variant (1).
Genome position (GRCh38, 1-based): chr19:50,413,769-50,413,770, AT deleted. VCF-style (leftmost placement, unchanged base first): chr19-50413768-CAT-C. GRCh37 (hg19) VCF-style: chr19-50917025-CAT-C.
Other names: c.2278_2279del, p.Met760fs (NM_001256849.1); c.2356_2357del, p.Met786fs (NM_001308632.1); short protein forms M760fs, M786fs.
Identifiers: ClinVar variation 1898555 (VCV001898555.6), dbSNP rs777610488, ClinGen allele CA9596471.

ClinVar aggregate classification (germline): Uncertain significance. Review status: criteria provided, multiple submitters, no conflicts (2 of 4 stars). 2 submissions from 2 submitters: Uncertain significance (2). Last evaluated 2025-09-24.

Conditions:
Mandibular hypoplasia-deafness-progeroid syndrome. Also called: Mandibular hypoplasia, deafness, progeroid features, and lipodystrophy syndrome. Identifiers: Orphanet 363649, MedGen C3715192, MONDO:0014157, OMIM 615381.
POLD1-related polyposis and colorectal cancer syndrome (CRCS10). Also called: Colorectal cancer 10; COLORECTAL CANCER, SUSCEPTIBILITY TO, ON CHROMOSOME 19q; Colorectal cancer, susceptibility to, 10. Identifiers: Orphanet 220460, MedGen C2675481, MONDO:0012953, OMIM 612591.

Allele frequency attached by ClinVar (database versions not stated): ExAC 0.00001; gnomAD exomes 0.00001.

Submissions (2):

Labcorp Genetics (formerly Invitae), Labcorp
Classification: Uncertain significance for POLD1-related polyposis and colorectal cancer syndrome. Last evaluated: 2025-09-24. Review status: criteria provided, single submitter. Criteria: Invitae Variant Classification Sherloc (09022015). Collection method: clinical testing. Allele origin: germline.
Comment: This sequence change creates a premature translational stop signal (p.Met760Valfs*10) in the POLD1 gene. Missense variants that disrupt the 3'-5' exonuclease (proof-reading) activity of the POLD1 protein are associated with PPAP (polymerase proofreading–associated polyposis) (PMID: 23263490, 23447401). However, loss-of-function variants that result in an absent or severely disrupted POLD1 protein, and missense variants outside the exonuclease domain, are unlikely to be associated with PPAP. This variant is present in population databases (rs777610488, gnomAD 0.0009%). This variant has not been reported in the literature in individuals affected with POLD1-related conditions. ClinVar contains an entry for this variant (Variation ID: 1898555). In summary, the available evidence is currently insufficient to determine the role of this variant in disease. Therefore, it has been classified as a Variant of Uncertain Significance.

Department of Pathology and Laboratory Medicine, Sinai Health System
Classification: Uncertain significance for mandibular hypoplasia-deafness-progeroid syndrome. Last evaluated: 2020-06-19. Review status: criteria provided, single submitter. Criteria: ACMG Guidelines, 2015. Collection method: research. Allele origin: germline.

Literature cited by the submitters: PubMed 23263490 (cited by Labcorp Genetics (formerly Invitae), Labcorp); PubMed 23447401 (cited by Labcorp Genetics (formerly Invitae), Labcorp).